The following is an entry in ClinVar:

NM_153603.4(COG7):c.1410-17C>A

Gene: COG7 (component of oligomeric golgi complex 7; minus strand). Cytogenetic location: 16p12.2.
Variant type: single nucleotide variant.
Coding change: c.1410-17C>A on transcript NM_153603.4 (MANE Select); 17 bases into the intron before coding-DNA position 1410, C replaced by A.
Molecular consequence: intron variant.
Genome position (GRCh38, 1-based): chr16:23,410,377, G>T on the plus strand (C>A on the coding strand, the complement: COG7 is on the minus strand). VCF-style: chr16-23410377-G-T. GRCh37 (hg19) VCF-style: chr16-23421698-G-T.
Identifiers: ClinVar variation 382434 (VCV000382434.8), dbSNP rs373102854, ClinGen allele CA7960980.

ClinVar aggregate classification (germline): Likely benign. Review status: criteria provided, multiple submitters, no conflicts (2 of 4 stars). 2 submissions from 2 submitters: Likely benign (2). Last evaluated 2026-02-01.

Conditions:
COG7 congenital disorder of glycosylation (CDG2E). Also called: CDG IIe; CONGENITAL DISORDER OF GLYCOSYLATION, TYPE IIe. Identifiers: Orphanet 79333, MedGen C2931010, MONDO:0012118, OMIM 608779.

Allele frequency attached by ClinVar (database versions not stated): ExAC 0.00016; TOPMed 0.00017; gnomAD 0.00018 and 0.00019; gnomAD exomes 0.00018; ESP Exome Variant Server 0.00023.
gnomAD v4.1: 363 of 1,610,360 alleles (0.023%); highest among the groups gnomAD compares: Non-Finnish European, 0.028%; no homozygotes.

Submissions (2):

Labcorp Genetics (formerly Invitae), Labcorp
Classification: Likely benign for COG7 congenital disorder of glycosylation. Last evaluated: 2026-02-01. Review status: criteria provided, single submitter. Criteria: Invitae Variant Classification Sherloc (09022015). Collection method: clinical testing. Allele origin: germline.

GeneDx
Classification: Likely benign. Last evaluated: 2016-02-11. Review status: criteria provided, single submitter. Criteria: GeneDx Variant Classification (06012015). Collection method: clinical testing. Allele origin: germline. Affected: yes.
Comment: This variant is considered likely benign or benign based on one or more of the following criteria: it is a conservative change, it occurs at a poorly conserved position in the protein, it is predicted to be benign by multiple in silico algorithms, and/or has population frequency not consistent with disease.